The following is an entry in ClinVar:

ClinVar aggregate classification (germline): Conflicting classifications of pathogenicity. Review status: criteria provided, conflicting classifications (1 of 4 stars). 3 submissions from 3 submitters: Uncertain significance (2); Likely benign (1). Last evaluated 2025-11-12.

Allele frequency attached by ClinVar (database versions not stated): gnomAD 0.00001; gnomAD exomes 0.00001; TOPMed 0.00003; ExAC 0.00004.

Submissions (3):

Labcorp Genetics (formerly Invitae), Labcorp
Classification: Uncertain significance. Last evaluated: 2025-11-12. Review status: criteria provided, single submitter. Criteria: Invitae Variant Classification Sherloc (09022015). Collection method: clinical testing. Allele origin: germline.
Comment: This sequence change replaces arginine, which is basic and polar, with histidine, which is basic and polar, at codon 229 of the IRF9 protein (p.Arg229His). This variant is present in population databases (rs767411496, gnomAD 0.007%). This variant has not been reported in the literature in individuals affected with IRF9-related conditions. ClinVar contains an entry for this variant (Variation ID: 1925030). An algorithm developed to predict the effect of missense changes on protein structure and function outputs the following: PolyPhen-2: "Benign". The histidine amino acid residue is found in multiple mammalian species, which suggests that this missense change does not adversely affect protein function. In summary, the available evidence is currently insufficient to determine the role of this variant in disease. Therefore, it has been classified as a Variant of Uncertain Significance.

Ambry Genetics
Classification: Uncertain significance. Last evaluated: 2025-10-14. Review status: criteria provided, single submitter. Criteria: Ambry Variant Classification Scheme 2023. Collection method: clinical testing. Allele origin: germline.

Blueprint Genetics
Classification: Likely benign. Last evaluated: 2024-11-15. Review status: criteria provided, single submitter. Criteria: ACMG Guidelines, 2015. Collection method: clinical testing. Allele origin: germline.

NM_006084.5(IRF9):c.686G>A (p.Arg229His)

Gene: IRF9 (interferon regulatory factor 9; plus strand). Cytogenetic location: 14q12.
Variant type: single nucleotide variant.
Coding change: c.686G>A on transcript NM_006084.5 (MANE Select); coding-DNA position 686, G replaced by A.
Protein change: p.Arg229His; replaces arginine 229 with histidine.
Molecular consequence: missense variant. On other transcripts: intron variant (1).
Genome position (GRCh38, 1-based): chr14:24,164,650, G>A. VCF-style: chr14-24164650-G-A. GRCh37 (hg19) VCF-style: chr14-24633859-G-A.
Other names: c.686G>A (NM_006084.4); c.713G>A, p.Arg238His (NM_001385400.1, NM_001385401.1); c.650-227G>A (NM_001385402.1); short protein forms R238H, R229H.
Identifiers: ClinVar variation 1925030 (VCV001925030.7), dbSNP rs767411496, ClinGen allele CA7126543.